The following is an entry in ClinVar:

ClinVar aggregate classification (germline): Uncertain significance (1 of 4 stars; one submission).

Submission:

GeneDx
Classification: Uncertain significance. Last evaluated: 2020-07-15. Review status: criteria provided, single submitter. Criteria: GeneDx Variant Classification Process June 2021. Collection method: clinical testing. Allele origin: germline. Affected: yes.
Comment: Not observed in large population cohorts (Lek et al., 2016); In silico analysis supports that this missense variant has a deleterious effect on protein structure/function; Has not been previously published as pathogenic or benign to our knowledge

NM_006950.3(SYN1):c.16C>T (p.Arg6Cys)

Gene: SYN1 (synapsin I; minus strand). Cytogenetic location: Xp11.23.
Variant type: single nucleotide variant.
Coding change: c.16C>T on transcript NM_006950.3 (MANE Select); coding-DNA position 16, C replaced by T.
Protein change: p.Arg6Cys; replaces arginine 6 with cysteine.
Molecular consequence: missense variant.
Genome position (GRCh38, 1-based): chrX:47,619,713, G>A on the plus strand (C>T on the coding strand, the complement: SYN1 is on the minus strand). VCF-style: chrX-47619713-G-A. GRCh37 (hg19) VCF-style: chrX-47479112-G-A.
Other names: c.16C>T, p.Arg6Cys (NM_133499.2); short protein forms R6C.
Identifiers: ClinVar variation 1313044 (VCV001313044.2), dbSNP rs2147933567, ClinGen allele CA412832327.